The following is an entry in ClinVar:

NM_016239.4(MYO15A):c.1672G>C (p.Gly558Arg)

Gene: MYO15A (myosin XVA; plus strand). Cytogenetic location: 17p11.2.
Variant type: single nucleotide variant.
Coding change: c.1672G>C on transcript NM_016239.4 (MANE Select); coding-DNA position 1672, G replaced by C.
Protein change: p.Gly558Arg; replaces glycine 558 with arginine.
Molecular consequence: missense variant.
Genome position (GRCh38, 1-based): chr17:18,120,472, G>C. VCF-style: chr17-18120472-G-C. GRCh37 (hg19) VCF-style: chr17-18023786-G-C.
Other names: short protein forms G558R.
Identifiers: ClinVar variation 3341328 (VCV003341328.1).
Genomic context (GRCh38, chr17:18,120,472, plus strand): 5'-CGCCAGCGCAACCTCCAGCGCGCGCTGTCGGCCTTCGGCGCCCACCGGGGCCTGGGCTTC[G>C]GCCCTGAGTTTGGCCGCCCCGTGCCTCGCCCTGCCACCTCGCTTGCGCGGTTCCTCAAGA-3'
Protein context (NP_057323.3, residues 548-568): AFGAHRGLGF[Gly558Arg]PEFGRPVPRP

ClinVar aggregate classification (germline): Uncertain significance (1 of 4 stars; one submission).

Conditions:
Autosomal recessive nonsyndromic hearing loss 3. Also called: NEUROSENSORY NONSYNDROMIC RECESSIVE DEAFNESS 3. Identifiers: Orphanet 90636, MedGen C1838263, MONDO:0010860, OMIM 600316.

gnomAD v4.1: 13 of 1,574,750 alleles (0.00083%); highest among the groups gnomAD compares: African/African-American, 0.0027%; no homozygotes.

Submission:

Neuberg Centre For Genomic Medicine, NCGM
Classification: Uncertain significance for Autosomal recessive nonsyndromic hearing loss 3. Last evaluated: 2023-05-20. Review status: criteria provided, single submitter. Criteria: ACMG Guidelines, 2015. Collection method: clinical testing. Allele origin: germline. Inheritance: Autosomal recessive inheritance. Affected: yes.
Comment: The observed missense variant c.1672G>C (p.Gly558Arg) in MYO15A gene has not been reported previously as a pathogenic variant nor as a benign variant, to our knowledge. The p.Gly558Arg variant has allele frequency 0.0009% in gnomAD Exomes. This variant has not been submitted to the ClinVar database. Multiple lines of computational evidence (Polyphen - Benign, SIFT - Tolerated and Mutation Taster - Polymorphism) predict no damaging effect on protein structure and function for this variant. The amino acid Gly at position 558 is changed to a Arg changing protein sequence and it might alter its composition and physico-chemical properties. For these reasons, this variant has been classified as Variant of Uncertain Significance (VUS).